The following is an entry in ClinVar:

NM_001127222.2(CACNA1A):c.3237C>T (p.Ala1079=)

Gene: CACNA1A (calcium voltage-gated channel subunit alpha1 A; minus strand). Cytogenetic location: 19p13.13.
Variant type: single nucleotide variant.
Coding change: c.3237C>T on transcript NM_001127222.2 (MANE Select); coding-DNA position 3237, C replaced by T.
Protein change: p.Ala1079=; no amino-acid change (alanine 1079 retained).
Molecular consequence: synonymous variant.
Genome position (GRCh38, 1-based): chr19:13,286,819, G>A on the plus strand (C>T on the coding strand, the complement: CACNA1A is on the minus strand). VCF-style: chr19-13286819-G-A. GRCh37 (hg19) VCF-style: chr19-13397633-G-A.
Other names: p.Ala1080=; c.3249C>T, p.Ala1083= (NM_000068.4, NM_023035.3); c.3240C>T, p.Ala1080= (NM_001127221.2, NM_001174080.2).
Identifiers: ClinVar variation 128552 (VCV000128552.29), dbSNP rs16026, ClinGen allele CA152103.

ClinVar aggregate classification (germline): Benign. Review status: criteria provided, multiple submitters, no conflicts (2 of 4 stars). 10 submissions from 10 submitters: Benign (7). 3 of the submissions do not count toward it. Last evaluated 2026-02-03.

Conditions:
Episodic ataxia type 2 (EA2). Also called: ACETAZOLAMIDE-RESPONSIVE HEREDITARY PAROXYSMAL CEREBELLAR ATAXIA; ATAXIA, EPISODIC, WITH NYSTAGMUS; ATAXIA, FAMILIAL PAROXYSMAL; CEREBELLAR ATAXIA, PAROXYSMAL, ACETAZOLAMIDE-RESPONSIVE; CEREBELLOPATHY, HEREDITARY PAROXYSMAL; EPISODIC ATAXIA, NYSTAGMUS-ASSOCIATED. Identifiers: Orphanet 97, MedGen C1720416, MONDO:0007163, OMIM 108500.
Developmental and epileptic encephalopathy, 42 (DEE42A). Also called: DEVELOPMENTAL AND EPILEPTIC ENCEPHALOPATHY 42A; EPILEPTIC ENCEPHALOPATHY, EARLY INFANTILE, 42A; Epileptic encephalopathy, early infantile, 42. Identifiers: MedGen C4310716, MONDO:0014917, OMIM 617106.
Inborn genetic diseases. Identifiers: MedGen C0950123, MeSH D030342.

Allele frequency attached by ClinVar (database versions not stated): gnomAD exomes 0.00055 and 0.00136; ExAC 0.00170; ESP Exome Variant Server 0.00553; 1000 Genomes Project 30x 0.00562; 1000 Genomes Project 0.00579; gnomAD 0.00581 and 0.00616; TOPMed 0.00625.
gnomAD v4.1: 1,707 of 1,613,576 alleles (0.11%); highest among the groups gnomAD compares: African/African-American, 2%; 14 homozygotes.

Submissions (10):

Labcorp Genetics (formerly Invitae), Labcorp
Classification: Benign for Developmental and epileptic encephalopathy, 42; Episodic ataxia type 2. Last evaluated: 2026-02-03. Review status: criteria provided, single submitter. Criteria: Invitae Variant Classification Sherloc (09022015). Collection method: clinical testing. Allele origin: germline.

Mayo Clinic Laboratories, Mayo Clinic
Classification: Benign. Last evaluated: 2024-05-01. Review status: criteria provided, single submitter. Criteria: ACMG Guidelines, 2015. Collection method: clinical testing. Allele origin: germline. Observed: 4 variant alleles.
Comment: BA1, BP4, BP7

Athena Diagnostics
Classification: Benign. Last evaluated: 2018-10-23. Review status: criteria provided, single submitter. Criteria: Athena Diagnostics Criteria. Collection method: clinical testing. Allele origin: germline.

GeneDx
Classification: Benign. Last evaluated: 2016-10-20. Review status: criteria provided, single submitter. Criteria: GeneDx Variant Classification (06012015). Collection method: clinical testing. Allele origin: germline. Affected: yes.
Comment: This variant is considered likely benign or benign based on one or more of the following criteria: it is a conservative change, it occurs at a poorly conserved position in the protein, it is predicted to be benign by multiple in silico algorithms, and/or has population frequency not consistent with disease.

Ambry Genetics
Classification: Benign for Inborn genetic diseases. Last evaluated: 2016-06-27. Review status: criteria provided, single submitter. Criteria: Ambry Variant Classification Scheme 2023. Collection method: clinical testing. Allele origin: germline.

Eurofins Ntd Llc (ga)
Classification: Benign. Last evaluated: 2015-05-27. Review status: criteria provided, single submitter. Criteria: EGL Classification Definitions 2015. Collection method: clinical testing. Allele origin: germline. Observed: 2 variant alleles, 2 heterozygotes.

Breakthrough Genomics
Classification: Benign. Review status: criteria provided, single submitter. Criteria: ACMG Guidelines, 2015. Collection method: not provided. Allele origin: germline. Inheritance: Autosomal dominant inheritance. Affected: yes.

Clinical Genetics DNA and cytogenetics Diagnostics Lab, Erasmus MC, Erasmus Medical Center
Classification: Benign. Review status: no assertion criteria provided. Collection method: clinical testing. Allele origin: germline. Affected: yes. Study: VKGL Data-share Consensus. Not counted in ClinVar's aggregate classification.

Genetic Services Laboratory, University of Chicago
Classification: Likely benign for AllHighlyPenetrant. Review status: no assertion criteria provided. Collection method: clinical testing. Allele origin: germline. Inheritance: Autosomal dominant inheritance. Not counted in ClinVar's aggregate classification.
Comment: Likely benign based on allele frequency in 1000 Genomes Project or ESP global frequency and its presence in a patient with a rare or unrelated disease phenotype. NOT Sanger confirmed.

Genome Diagnostics Laboratory, University Medical Center Utrecht
Classification: Benign. Review status: no assertion criteria provided. Collection method: clinical testing. Allele origin: germline. Affected: yes. Study: VKGL Data-share Consensus. Not counted in ClinVar's aggregate classification.